The following is an entry in ClinVar:

NM_014855.3(AP5Z1):c.1806-1G>C

Gene: AP5Z1 (adaptor related protein complex 5 subunit zeta 1; plus strand). Cytogenetic location: 7p22.1.
Variant type: single nucleotide variant.
Coding change: c.1806-1G>C on transcript NM_014855.3 (MANE Select); the canonical splice acceptor site of the intron before coding-DNA position 1806, G replaced by C.
Molecular consequence: splice acceptor variant.
Genome position (GRCh38, 1-based): chr7:4,790,458, G>C. VCF-style: chr7-4790458-G-C. GRCh37 (hg19) VCF-style: chr7-4830089-G-C.
Other names: c.1338-1G>C (NM_001364858.1).
Identifiers: ClinVar variation 2716573 (VCV002716573.4), dbSNP rs1490988278, ClinGen allele CA366663900.

ClinVar aggregate classification (germline): Likely pathogenic. Review status: criteria provided, multiple submitters, no conflicts (2 of 4 stars). 2 submissions from 2 submitters: Likely pathogenic (2). Last evaluated 2025-09-23.

Conditions:
Hereditary spastic paraplegia 48. Also called: Spastic paraplegia 48; SPASTIC PARAPLEGIA 48, AUTOSOMAL RECESSIVE. Identifiers: Orphanet 306511, MedGen C3150901, MONDO:0013342, OMIM 613647.

Allele frequency attached by ClinVar (database versions not stated): gnomAD exomes below 0.00001; TOPMed below 0.00001; gnomAD 0.00001.
gnomAD v4.1: 7 of 1,613,016 alleles (0.00043%); highest among the groups gnomAD compares: Non-Finnish European, 0.00051%; no homozygotes.

Submissions (2):

Women's Health and Genetics/Laboratory Corporation of America, LabCorp
Classification: Likely pathogenic for Hereditary spastic paraplegia 48. Last evaluated: 2025-09-23. Review status: criteria provided, single submitter. Criteria: LabCorp Variant Classification Summary - May 2015. Collection method: clinical testing. Allele origin: germline.
Comment: Variant summary: AP5Z1 c.1806-1G>C is located in a canonical splice-site and is predicted to affect mRNA splicing resulting in a significantly altered protein due to either exon skipping, shortening, or inclusion of intronic material. Variants that disrupt the consensus splice site are a relatively common cause of aberrant splicing and loss of AP5Z1 function. Several computational tools predict a significant impact on normal splicing: Two predict the variant abolishes a canonical 3' acceptor site. However, these predictions have yet to be confirmed by functional studies. The variant was absent in 248226 control chromosomes. To our knowledge, no occurrence of c.1806-1G>C in individuals affected with AP5Z1-related conditions and no experimental evidence demonstrating its impact on protein function have been reported. ClinVar contains an entry for this variant (Variation ID: 2716573). Based on the evidence outlined above, the variant was classified as likely pathogenic.

Labcorp Genetics (formerly Invitae), Labcorp
Classification: Likely pathogenic for Hereditary spastic paraplegia 48. Last evaluated: 2023-02-08. Review status: criteria provided, single submitter. Criteria: Invitae Variant Classification Sherloc (09022015). Collection method: clinical testing. Allele origin: germline.
Comment: In summary, the currently available evidence indicates that the variant is pathogenic, but additional data are needed to prove that conclusively. Therefore, this variant has been classified as Likely Pathogenic. Algorithms developed to predict the effect of sequence changes on RNA splicing suggest that this variant may disrupt the consensus splice site. This variant has not been reported in the literature in individuals affected with AP5Z1-related conditions. This variant is not present in population databases (gnomAD no frequency). This sequence change affects an acceptor splice site in intron 14 of the AP5Z1 gene. It is expected to disrupt RNA splicing. Variants that disrupt the donor or acceptor splice site typically lead to a loss of protein function (PMID: 16199547), and loss-of-function variants in AP5Z1 are known to be pathogenic (PMID: 20613862, 27606357).

Literature cited by the submitters: PubMed 16199547 (cited by Labcorp Genetics (formerly Invitae), Labcorp); PubMed 20613862 (cited by Labcorp Genetics (formerly Invitae), Labcorp); PubMed 27606357 (cited by Labcorp Genetics (formerly Invitae), Labcorp).